The following is an entry in ClinVar:

NM_130468.4(CHST14):c.654_655delinsTT (p.Leu219Phe)

Gene: CHST14 (carbohydrate sulfotransferase 14; plus strand). Cytogenetic location: 15q15.1.
Variant type: Indel.
Coding change: c.654_655delinsTT on transcript NM_130468.4 (MANE Select); coding-DNA positions 654 to 655, CC replaced by TT.
Protein change: p.Leu219Phe; replaces leucine 219 with phenylalanine.
Molecular consequence: missense variant.
Genome position (GRCh38, 1-based): chr15:40,471,867-40,471,868, CC replaced by TT. VCF-style: chr15-40471867-CC-TT. GRCh37 (hg19) VCF-style: chr15-40764066-CC-TT.
Other names: short protein forms L219F.
Identifiers: ClinVar variation 2431836 (VCV002431836.1), dbSNP rs2543006228, ClinGen allele CA2580089363.

ClinVar aggregate classification (germline): Uncertain significance (1 of 4 stars; one submission).

Conditions:
Ehlers-Danlos syndrome, musculocontractural type 1. Identifiers: MedGen CN295219, MONDO:0020681, OMIM 601776.

Submission:

Laboratorio de Genetica e Diagnostico Molecular, Hospital Israelita Albert Einstein
Classification: Uncertain significance for Ehlers-Danlos syndrome, musculocontractural type 1. Last evaluated: 2022-03-10. Review status: criteria provided, single submitter. Criteria: ACMG Guidelines, 2015. Collection method: clinical testing. Allele origin: germline. Affected: yes. Observed: 1 variant allele.
Comment: ACMG classification criteria: PM2 moderated